The following is an entry in ClinVar:

ClinVar aggregate classification (germline): Uncertain significance (1 of 4 stars; one submission).

Conditions:
Fanconi anemia (FA). Also called: Fanconi's anemia. Identifiers: Orphanet 84, MedGen C0015625, MeSH D005199, MONDO:0019391.

Submission:

Labcorp Genetics (formerly Invitae), Labcorp
Classification: Uncertain significance for Fanconi anemia. Last evaluated: 2020-07-24. Review status: criteria provided, single submitter. Criteria: Invitae Variant Classification Sherloc (09022015). Collection method: clinical testing. Allele origin: germline.
Comment: In summary, the available evidence is currently insufficient to determine the role of this variant in disease. Therefore, it has been classified as a Variant of Uncertain Significance. Algorithms developed to predict the effect of missense changes on protein structure and function (SIFT, PolyPhen-2, Align-GVGD) all suggest that this variant is likely to be tolerated, but these predictions have not been confirmed by published functional studies and their clinical significance is uncertain. This variant has not been reported in the literature in individuals with FANCI-related conditions. This variant is not present in population databases (ExAC no frequency). This sequence change replaces glutamic acid with glycine at codon 107 of the FANCI protein (p.Glu107Gly). The glutamic acid residue is weakly conserved and there is a moderate physicochemical difference between glutamic acid and glycine.

NM_001113378.2(FANCI):c.320A>G (p.Glu107Gly)

Gene: FANCI (FA complementation group I; plus strand). Cytogenetic location: 15q26.1.
Variant type: single nucleotide variant.
Coding change: c.320A>G on transcript NM_001113378.2 (MANE Select); coding-DNA position 320, A replaced by G.
Protein change: p.Glu107Gly; replaces glutamic acid 107 with glycine.
Molecular consequence: missense variant.
Genome position (GRCh38, 1-based): chr15:89,261,616, A>G. VCF-style: chr15-89261616-A-G. GRCh37 (hg19) VCF-style: chr15-89804847-A-G.
Other names: c.41A>G, p.Glu14Gly (NM_001376910.1); c.320A>G, p.Glu107Gly (NM_001376911.1, NM_018193.3); short protein forms E107G, E14G.
Identifiers: ClinVar variation 1036866 (VCV001036866.8), dbSNP rs2052715611, ClinGen allele CA393738220.
Genomic context (GRCh38, chr15:89,261,616, plus strand): 5'-GAGATTTCCTTTATCCTGTGAACTTTTAGGCTCACCATTTTCCAGGACCATTATTGGTTG[A>G]ATTAGCCAATGAGTTTATTAGTGCTGTCAGAGAAGGCAGCCTAGTGAATGGAAAATCTTT-3'
Protein context (NP_001106849.1, residues 97-117): AHHFPGPLLV[Glu107Gly]LANEFISAVR